The following is an entry in ClinVar:

ClinVar aggregate classification (germline): Uncertain significance. Review status: criteria provided, multiple submitters, no conflicts (2 of 4 stars). 3 submissions from 3 submitters: Uncertain significance (3). Last evaluated 2024-06-06.

Conditions:
Cardioencephalomyopathy, fatal infantile, due to cytochrome c oxidase deficiency 1 (MC4DN2). Also called: MITOCHONDRIAL COMPLEX IV DEFICIENCY, NUCLEAR TYPE 2; CYTOCHROME c OXIDASE DEFICIENCY, FATAL INFANTILE, WITH CARDIOENCEPHALOMYOPATHY. Identifiers: Orphanet 1561, MedGen C5399977, MONDO:0011451, OMIM 604377.
Myopia 6 (MYP6). Identifiers: MedGen C1837148, MONDO:0012154, OMIM 608908.

Allele frequency attached by ClinVar (database versions not stated): gnomAD exomes 0.00002 and 0.00006; ExAC 0.00008; ESP Exome Variant Server 0.00016; TOPMed 0.00016; gnomAD 0.00020 and 0.00022; 1000 Genomes Project 0.00040; 1000 Genomes Project 30x 0.00047.
gnomAD v4.1: 61 of 1,603,420 alleles (0.0038%); highest among the groups gnomAD compares: African/African-American, 0.068%; no homozygotes.

Submissions (3):

GeneDx
Classification: Uncertain significance. Last evaluated: 2024-06-06. Review status: criteria provided, single submitter. Criteria: GeneDx Variant Classification Process June 2021. Collection method: clinical testing. Allele origin: germline. Affected: yes.
Comment: In silico analysis indicates that this missense variant does not alter protein structure/function; Has not been previously published as pathogenic or benign to our knowledge

Labcorp Genetics (formerly Invitae), Labcorp
Classification: Uncertain significance. Last evaluated: 2022-10-24. Review status: criteria provided, single submitter. Criteria: Invitae Variant Classification Sherloc (09022015). Collection method: clinical testing. Allele origin: germline.
Comment: This sequence change replaces proline, which is neutral and non-polar, with alanine, which is neutral and non-polar, at codon 43 of the SCO2 protein (p.Pro43Ala). This variant is present in population databases (rs147185850, gnomAD 0.07%). This variant has not been reported in the literature in individuals affected with SCO2-related conditions. ClinVar contains an entry for this variant (Variation ID: 1491943). Algorithms developed to predict the effect of missense changes on protein structure and function (SIFT, PolyPhen-2, Align-GVGD) all suggest that this variant is likely to be tolerated. In summary, the available evidence is currently insufficient to determine the role of this variant in disease. Therefore, it has been classified as a Variant of Uncertain Significance.

Fulgent Genetics
Classification: Uncertain significance for Cardioencephalomyopathy, fatal infantile, due to cytochrome c oxidase deficiency 1; Myopia 6. Last evaluated: 2022-04-04. Review status: criteria provided, single submitter. Criteria: ACMG Guidelines, 2015. Collection method: clinical testing. Allele origin: unknown.

NM_005138.3(SCO2):c.127C>G (p.Pro43Ala)

Genes: NCAPH2 (non-SMC condensin II complex subunit H2; plus strand), SCO2 (synthesis of cytochrome C oxidase 2; minus strand). Cytogenetic location: 22q13.33.
Variant type: single nucleotide variant.
Coding change: c.127C>G on transcript NM_005138.3 (MANE Select); coding-DNA position 127, C replaced by G.
Protein change: p.Pro43Ala; replaces proline 43 with alanine.
Molecular consequence: missense variant. On other transcripts: 3 prime UTR variant (2).
Genome position (GRCh38, 1-based): chr22:50,524,285, G>C on the plus strand (C>G on the coding strand, the complement: SCO2 is on the minus strand). VCF-style: chr22-50524285-G-C. GRCh37 (hg19) VCF-style: chr22-50962714-G-C.
Other names: c.*910G>C (NM_001185011.2, NM_152299.4); c.127C>G, p.Pro43Ala (NM_001169109.2, NM_001169110.1, NM_001169111.2); c.127C>G (NM_005138.2); short protein forms P43A.
Identifiers: ClinVar variation 1491943 (VCV001491943.7), dbSNP rs147185850, ClinGen allele CA10321294.